The following is an entry in ClinVar:

NM_001378156.1(C1QB):c.621C>T (p.Thr207=)

Gene: C1QB (complement C1q B chain; plus strand). Cytogenetic location: 1p36.12.
Variant type: single nucleotide variant.
Coding change: c.621C>T on transcript NM_001378156.1 (MANE Select); coding-DNA position 621, C replaced by T.
Protein change: p.Thr207=; no amino-acid change (threonine 207 retained).
Molecular consequence: synonymous variant.
Genome position (GRCh38, 1-based): chr1:22,661,251, C>T. VCF-style: chr1-22661251-C-T. GRCh37 (hg19) VCF-style: chr1-22987744-C-T.
Other names: c.627C>T, p.Thr209= (NM_000491.5); c.621C>T, p.Thr207= (NM_001371184.3); c.627C>T (NM_000491.4).
Identifiers: ClinVar variation 916509 (VCV000916509.48), dbSNP rs149718049, ClinGen allele CA678203.

ClinVar aggregate classification (germline): Likely benign. Review status: criteria provided, multiple submitters, no conflicts (2 of 4 stars). 6 submissions from 6 submitters: Likely benign (3). 3 of the submissions do not count toward it. Last evaluated 2026-09-01.

Conditions:
C1QB-related disorder. Also called: C1QB-related condition.

Allele frequency attached by ClinVar (database versions not stated): TOPMed 0.00042; ExAC 0.00045; gnomAD 0.00048 and 0.00050; gnomAD exomes 0.00048 and 0.00075; ESP Exome Variant Server 0.00062.
gnomAD v4.1: 1,161 of 1,613,244 alleles (0.072%); highest among the groups gnomAD compares: Non-Finnish European, 0.092%; 2 homozygotes.

Submissions (6):

CeGaT Center for Human Genetics Tuebingen
Classification: Likely benign. Last evaluated: 2026-09-01. Review status: criteria provided, single submitter. Criteria: CeGaT Center For Human Genetics Tuebingen Variant Classification Criteria Version 2. Collection method: clinical testing. Allele origin: germline. Affected: yes. Observed: 2 variant alleles.
Comment: C1QB: BP4, BP7

Labcorp Genetics (formerly Invitae), Labcorp
Classification: Likely benign. Last evaluated: 2025-12-29. Review status: criteria provided, single submitter. Criteria: Invitae Variant Classification Sherloc (09022015). Collection method: clinical testing. Allele origin: germline.

Blueprint Genetics
Classification: Likely benign. Last evaluated: 2024-11-11. Review status: criteria provided, single submitter. Criteria: ACMG Guidelines, 2015. Collection method: clinical testing. Allele origin: germline.

PreventionGenetics, part of Exact Sciences
Classification: Likely benign for C1QB-related condition. Last evaluated: 2023-09-19. Review status: no assertion criteria provided. Collection method: clinical testing. Allele origin: germline. Not counted in ClinVar's aggregate classification.
Comment: This variant is classified as likely benign based on ACMG/AMP sequence variant interpretation guidelines (Richards et al. 2015 PMID: 25741868, with internal and published modifications).

Clinical Genetics DNA and cytogenetics Diagnostics Lab, Erasmus MC, Erasmus Medical Center
Classification: Likely benign. Review status: no assertion criteria provided. Collection method: clinical testing. Allele origin: germline. Affected: yes. Study: VKGL Data-share Consensus. Not counted in ClinVar's aggregate classification.

Genome Diagnostics Laboratory, University Medical Center Utrecht
Classification: Likely benign. Review status: no assertion criteria provided. Collection method: clinical testing. Allele origin: germline. Affected: yes. Study: VKGL Data-share Consensus. Not counted in ClinVar's aggregate classification.